The following is an entry in ClinVar:

ClinVar aggregate classification (germline): Uncertain significance. Review status: criteria provided, multiple submitters, no conflicts (2 of 4 stars). 2 submissions from 2 submitters: Uncertain significance (2). Last evaluated 2025-09-09.

Conditions:
Intellectual developmental disorder, autosomal recessive 43. Also called: Intellectual disability, autosomal recessive 43. Identifiers: Orphanet 88616, MedGen C4014386, MONDO:0014354, OMIM 615817.

Allele frequency attached by ClinVar (database versions not stated): TOPMed 0.00007; gnomAD exomes 0.00004 and 0.00002; ExAC 0.00004; gnomAD 0.00009.

Submissions (2):

Ambry Genetics
Classification: Uncertain significance. Last evaluated: 2025-09-09. Review status: criteria provided, single submitter. Criteria: Ambry Variant Classification Scheme 2023. Collection method: clinical testing. Allele origin: germline.

New York Genome Center
Classification: Uncertain significance for Intellectual developmental disorder, autosomal recessive 43. Last evaluated: 2020-06-19. Review status: criteria provided, single submitter. Criteria: NYGC Assertion Criteria 2020. Collection method: clinical testing. Allele origin: inherited. Observed: 1 compound heterozygote. Study: CSER-NYCKidSeq.
Comment: The inherited c.2423G>A (p.Arg808Gln) variant identified in the WASHC4 gene substitutes a well conserved Arginine for Glutamine at amino acid 808/1174 (coding exon 24/33). This variant is found with low frequency in gnomAD (v3.0) (12 heterozygotes, 0 homozygotes; allele frequency: 8.38e-5) suggesting it is not a common benign variant in the populations represented in that database. In silico algorithms predict this variant to be Neutral (Provean; score: -1.63) and Tolerated (SIFT; score:0.147) to the function of the canonical transcript. This variant is absent from ClinVar and to our current knowledge has not been reported in affected individuals in the literature. The p.Arg808 residue is not within a mapped domain of WASHC4, but is within a region of the protein sufficient for interaction with WASHC5 (UniProtKB: Q2M389). Given the lack of compelling evidence for its pathogenicity, the inherited c.2423G>A (p.Arg808Gln) variant identified in the WASHC4 gene is reported here as a Variant of UncertainSignificance.

NM_015275.3(WASHC4):c.2423G>A (p.Arg808Gln)

Gene: WASHC4 (WASH complex subunit 4; plus strand). Cytogenetic location: 12q23.3.
Variant type: single nucleotide variant.
Coding change: c.2423G>A on transcript NM_015275.3 (MANE Select); coding-DNA position 2423, G replaced by A.
Protein change: p.Arg808Gln; replaces arginine 808 with glutamine.
Molecular consequence: missense variant.
Genome position (GRCh38, 1-based): chr12:105,147,055, G>A. VCF-style: chr12-105147055-G-A. GRCh37 (hg19) VCF-style: chr12-105540833-G-A.
Other names: c.2423G>A (NM_015275.1); c.2426G>A, p.Arg809Gln (NM_001293640.2); short protein forms R808Q, R809Q.
Identifiers: ClinVar variation 1098607 (VCV001098607.3), dbSNP rs746822124, ClinGen allele CA6758938.
Genomic context (GRCh38, chr12:105,147,055, plus strand): 5'-TTGCTATGGGTTGCGTTGTTACTGAGCATAAATTTGTTTCATTGCAGATTTTTATTGAAC[G>A]AACAAGCAATAACAAGCATTTGAATACTATTAATATTCGGCATATTGCTAATTCAATTCG-3'
Protein context (NP_056090.1, residues 798-818): YNLNNQIFIE[Arg808Gln]TSNNKHLNTI